The following is an entry in ClinVar:

ClinVar aggregate classification (germline): Uncertain significance (1 of 4 stars; one submission).

Conditions:
Inborn genetic diseases. Identifiers: MedGen C0950123, MeSH D030342.

gnomAD v4.1: 1 of 1,613,244 alleles (0.000062%); highest among the groups gnomAD compares: African/African-American, 0.0013%; no homozygotes.

Submission:

Ambry Genetics
Classification: Uncertain significance for Inborn genetic diseases. Last evaluated: 2025-06-01. Review status: criteria provided, single submitter. Criteria: Ambry Variant Classification Scheme 2023. Collection method: clinical testing. Allele origin: germline.
Comment: The p.P808L variant (also known as c.2423C>T), located in coding exon 20 of the KDM1A gene, results from a C to T substitution at nucleotide position 2423. The proline at codon 808 is replaced by leucine, an amino acid with similar properties. This amino acid position is conserved. In addition, the in silico prediction for this alteration is inconclusive. Based on the available evidence, the clinical significance of this variant remains unclear.

NM_001009999.3(KDM1A):c.2423C>T (p.Pro808Leu)

Gene: KDM1A (lysine demethylase 1A; plus strand). Cytogenetic location: 1p36.12.
Variant type: single nucleotide variant.
Coding change: c.2423C>T on transcript NM_001009999.3 (MANE Select); coding-DNA position 2423, C replaced by T.
Protein change: p.Pro808Leu; replaces proline 808 with leucine.
Molecular consequence: missense variant.
Genome position (GRCh38, 1-based): chr1:23,082,344, C>T. VCF-style: chr1-23082344-C-T. GRCh37 (hg19) VCF-style: chr1-23408837-C-T.
Other names: c.2369C>T, p.Pro790Leu (NM_001363654.2); c.2429C>T, p.Pro810Leu (NM_001410762.1); c.2351C>T, p.Pro784Leu (NM_001410763.1, NM_015013.4); short protein forms P784L, P808L, P810L, P790L.
Identifiers: ClinVar variation 4042168 (VCV004042168.1).
Genomic context (GRCh38, chr1:23,082,344, plus strand): 5'-TTGCTGCAGGATCATCTGGAAATGACTATGATTTAATGGCTCAGCCAATCACTCCTGGCC[C>T]CTCGATTCCAGGTGCCCCACAGGTGAGAAGCTGGCAAACTATCTGGGCTTATTTGGGAAG-3'
Protein context (NP_001009999.1, residues 798-818): DLMAQPITPG[Pro808Leu]SIPGAPQPIP